The following is an entry in ClinVar:

ClinVar aggregate classification (germline): Likely pathogenic (0 of 4 stars; one submission).

Conditions:
Combined oxidative phosphorylation defect type 21. Also called: Combined oxidative phosphorylation deficiency 21. Identifiers: Orphanet 420733, MedGen C4706316, MONDO:0014398, OMIM 615918.

Allele frequency attached by ClinVar (database versions not stated): ExAC 0.00001; gnomAD exomes 0.00001; TOPMed 0.00001.
gnomAD v4.1: 17 of 1,610,800 alleles (0.0011%); highest among the groups gnomAD compares: Admixed American, 0.0034%; no homozygotes.

Submission:

Houlden Lab, UCL Institute of Neurology
Classification: Likely pathogenic for Combined oxidative phosphorylation defect type 21. Review status: no assertion criteria provided. Collection method: research. Allele origin: germline. Affected: yes.
Comment: This variant was identified in a compound heterozygous state with another TARS2 variant (c.968T>G) for this condition.

NM_025150.5(TARS2):c.1318G>A (p.Glu440Lys)

Gene: TARS2 (threonyl-tRNA synthetase 2, mitochondrial; plus strand). Cytogenetic location: 1q21.2.
Variant type: single nucleotide variant.
Coding change: c.1318G>A on transcript NM_025150.5 (MANE Select); coding-DNA position 1318, G replaced by A.
Protein change: p.Glu440Lys; replaces glutamic acid 440 with lysine.
Molecular consequence: missense variant. On other transcripts: non-coding transcript variant (2).
Genome position (GRCh38, 1-based): chr1:150,498,581, G>A. VCF-style: chr1-150498581-G-A. GRCh37 (hg19) VCF-style: chr1-150471057-G-A.
Other names: p.Glu440Lys; c.1072G>A, p.Glu358Lys (NM_001271895.2); c.928G>A, p.Glu310Lys (NM_001271896.2); short protein forms E310K, E358K, E440K.
Identifiers: ClinVar variation 1992419 (VCV001992419.1), dbSNP rs781477512, ClinGen allele CA1076976.
Genomic context (GRCh38, chr1:150,498,581, plus strand): 5'-CCCAGATCCTGGCGGGAACTGCCCCTGCGACTAGCTGACTTTGGGGCTCTACACCGGGCC[G>A]AAGCCTCTGGTGGTCTGGGGGGACTGACCCGACTGCGGTGCTTCCAGCAGGATGACGCTC-3'
Protein context (NP_079426.2, residues 430-450): LADFGALHRA[Glu440Lys]ASGGLGGLTR